The following is an entry in ClinVar:

ClinVar aggregate classification (germline): Pathogenic (1 of 4 stars; one submission).

Submission:

Labcorp Genetics (formerly Invitae), Labcorp
Classification: Pathogenic. Last evaluated: 2024-06-20. Review status: criteria provided, single submitter. Criteria: Invitae Variant Classification Sherloc (09022015). Collection method: clinical testing. Allele origin: germline.
Comment: This sequence change creates a premature translational stop signal (p.Ser1335Valfs*115) in the ASXL1 gene. While this is not anticipated to result in nonsense mediated decay, it is expected to disrupt the last 207 amino acid(s) of the ASXL1 protein. This variant is not present in population databases (gnomAD no frequency). This variant has not been reported in the literature in individuals affected with ASXL1-related conditions. This variant disrupts a region of the ASXL1 protein in which other variant(s) (p.Glu1400*) have been determined to be pathogenic (PMID: 31969346). This suggests that this is a clinically significant region of the protein, and that variants that disrupt it are likely to be disease-causing. For these reasons, this variant has been classified as Pathogenic.

Literature cited by the submitters: PubMed 31969346.

NM_015338.6(ASXL1):c.3999del (p.Ser1335fs)

Gene: ASXL1 (ASXL transcriptional regulator 1; plus strand). Cytogenetic location: 20q11.21.
Variant type: Deletion.
Coding change: c.3999del on transcript NM_015338.6 (MANE Select); coding-DNA position 3999, one base deleted (T; older notation c.3999delT).
Protein change: p.Ser1335fs; shifts the reading frame from serine 1335.
Molecular consequence: frameshift variant.
Genome position (GRCh38, 1-based): chr20:32,436,711, T deleted; the last of 5 consecutive T bases (chr20:32,436,707-32,436,711); deleting any one gives the same sequence. VCF-style (leftmost placement, unchanged base first): chr20-32436706-GT-G. GRCh37 (hg19) VCF-style: chr20-31024509-GT-G.
Other names: c.3816del, p.Ser1274fs (NM_001363734.1); short protein forms S1274fs, S1335fs.
Identifiers: ClinVar variation 3657138 (VCV003657138.2).